The following is an entry in ClinVar:

ClinVar aggregate classification (germline): Likely benign. Review status: criteria provided, multiple submitters, no conflicts (2 of 4 stars). 3 submissions from 3 submitters: Likely benign (3). Last evaluated 2025-11-06.

Allele frequency attached by ClinVar (database versions not stated): gnomAD 0.00001; gnomAD exomes 0.00001; ExAC 0.00002; TOPMed 0.00002.
gnomAD v4.1: 22 of 1,613,324 alleles (0.0014%); highest among the groups gnomAD compares: South Asian, 0.0044%; no homozygotes.

Submissions (3):

Labcorp Genetics (formerly Invitae), Labcorp
Classification: Likely benign. Last evaluated: 2025-11-06. Review status: criteria provided, single submitter. Criteria: Invitae Variant Classification Sherloc (09022015). Collection method: clinical testing. Allele origin: germline.

Mayo Clinic Laboratories, Mayo Clinic
Classification: Likely benign. Last evaluated: 2025-06-26. Review status: criteria provided, single submitter. Criteria: ACMG Guidelines, 2015. Collection method: clinical testing. Allele origin: germline. Observed: 1 variant allele.
Comment: BP4, BP7

Blueprint Genetics
Classification: Likely benign. Last evaluated: 2024-10-21. Review status: criteria provided, single submitter. Criteria: ACMG Guidelines, 2015. Collection method: clinical testing. Allele origin: germline.

NM_007289.4(MME):c.1780+8G>T

Gene: MME (membrane metalloendopeptidase; plus strand). Cytogenetic location: 3q25.2.
Variant type: single nucleotide variant.
Coding change: c.1780+8G>T on transcript NM_007289.4 (MANE Select); 8 bases into the intron after coding-DNA position 1780, G replaced by T.
Molecular consequence: intron variant.
Genome position (GRCh38, 1-based): chr3:155,167,029, G>T. VCF-style: chr3-155167029-G-T. GRCh37 (hg19) VCF-style: chr3-154884818-G-T.
Other names: p.?; c.1780+8G>T (NM_001354642.2, NM_000902.5, NM_007287.4 and 3 more transcripts).
Identifiers: ClinVar variation 1906620 (VCV001906620.7), dbSNP rs200955355, ClinGen allele CA2675623.